The following is an entry in ClinVar:

ClinVar aggregate classification (germline): Uncertain significance (1 of 4 stars; one submission).

Submission:

Ambry Genetics
Classification: Uncertain significance. Last evaluated: 2025-08-20. Review status: criteria provided, single submitter. Criteria: Ambry Variant Classification Scheme 2023. Collection method: clinical testing. Allele origin: germline.
Comment: The p.P105R variant (also known as c.314C>G), located in coding exon 1 of the WNK2 gene, results from a C to G substitution at nucleotide position 314. The proline at codon 105 is replaced by arginine, an amino acid with dissimilar properties. This amino acid position is conserved. In addition, this alteration is predicted to be tolerated by in silico analysis. Based on the available evidence, the clinical significance of this variant remains unclear.

NM_006648.4(WNK2):c.314C>G (p.Pro105Arg)

Gene: WNK2 (WNK lysine deficient protein kinase 2; plus strand). Cytogenetic location: 9q22.31.
Variant type: single nucleotide variant.
Coding change: c.314C>G on transcript NM_006648.4 (MANE Select); coding-DNA position 314, C replaced by G.
Protein change: p.Pro105Arg; replaces proline 105 with arginine.
Molecular consequence: missense variant.
Genome position (GRCh38, 1-based): chr9:93,185,243, C>G. VCF-style: chr9-93185243-C-G. GRCh37 (hg19) VCF-style: chr9-95947525-C-G.
Other names: c.314C>G, p.Pro105Arg (NM_001282394.3); short protein forms P105R.
Identifiers: ClinVar variation 4201776 (VCV004201776.1).